The following is an entry in ClinVar:

NM_000324.3(RHAG):c.212del (p.Phe71fs)

Gene: RHAG (Rh associated glycoprotein; minus strand). Cytogenetic location: 6p12.3.
Variant type: Deletion.
Coding change: c.212del on transcript NM_000324.3 (MANE Select); coding-DNA position 212, one base deleted (T; older notation c.212delT).
Protein change: p.Phe71fs; shifts the reading frame from phenylalanine 71.
Molecular consequence: frameshift variant.
Genome position (GRCh38, 1-based): chr6:49,619,308, A deleted on the plus strand (T on the coding strand, the reverse complement: RHAG is on the minus strand); the first of 2 consecutive A bases (chr6:49,619,308-49,619,309); deleting either gives the same sequence. VCF-style (leftmost placement, unchanged base first): chr6-49619307-GA-G. GRCh37 (hg19) VCF-style: chr6-49587020-GA-G.
Other names: p.Phe71Serfs*2; short protein forms F71fs.
Identifiers: ClinVar variation 3381008 (VCV003381008.1).

ClinVar aggregate classification (germline): Likely pathogenic (1 of 4 stars; one submission).

Submission:

Mayo Clinic Laboratories, Mayo Clinic
Classification: Likely pathogenic. Last evaluated: 2024-03-14. Review status: criteria provided, single submitter. Criteria: ACMG Guidelines, 2015. Collection method: clinical testing. Allele origin: germline. Observed: 1 variant allele.
Comment: PM2_moderate, PVS1